The following is an entry in ClinVar:

ClinVar aggregate classification (germline): Uncertain significance (1 of 4 stars; one submission).

Allele frequency attached by ClinVar (database versions not stated): gnomAD exomes below 0.00001.
gnomAD v4.1: 4 of 1,612,476 alleles (0.00025%); highest among the groups gnomAD compares: Non-Finnish European, 0.00034%; no homozygotes.

Submission:

GeneDx
Classification: Uncertain significance. Last evaluated: 2019-11-19. Review status: criteria provided, single submitter. Criteria: GeneDx Variant Classification Process June 2021. Collection method: clinical testing. Allele origin: germline. Affected: yes.
Comment: Not observed in large population cohorts (Lek et al., 2016); In silico analysis, which includes protein predictors and evolutionary conservation, supports that this variant does not alter protein structure/function; Has not been previously published as pathogenic or benign to our knowledge

NM_016628.5(WAC):c.1244A>G (p.Asn415Ser)

Gene: WAC (WW domain containing adaptor with coiled-coil; plus strand). Cytogenetic location: 10p12.1.
Variant type: single nucleotide variant.
Coding change: c.1244A>G on transcript NM_016628.5 (MANE Select); coding-DNA position 1244, A replaced by G.
Protein change: p.Asn415Ser; replaces asparagine 415 with serine.
Molecular consequence: missense variant.
Genome position (GRCh38, 1-based): chr10:28,610,777, A>G. VCF-style: chr10-28610777-A-G. GRCh37 (hg19) VCF-style: chr10-28899706-A-G.
Other names: c.1109A>G, p.Asn370Ser (NM_100264.3); c.935A>G, p.Asn312Ser (NM_100486.4); short protein forms N312S, N370S, N415S.
Identifiers: ClinVar variation 1304952 (VCV001304952.2), dbSNP rs1347340254, ClinGen allele CA376403407.
Genomic context (GRCh38, chr10:28,610,777, plus strand): 5'-CACAAGCCTCACTGCAGTCTATAATTCATAAGTTTCTTACTGCTGGACCATCTGCTTTCA[A>G]CATAACGTCTCTGATTTCTCAAGCTGCTCAGCTCTCTACACAAGGTATTCTTACTCATCT-3'
Protein context (NP_057712.2, residues 405-425): KFLTAGPSAF[Asn415Ser]ITSLISQAAQ